The following is an entry in ClinVar:

NM_001953.5(TYMP):c.-10-36G>T

Gene: TYMP (thymidine phosphorylase; minus strand). Cytogenetic location: 22q13.33.
Variant type: single nucleotide variant.
Coding change: c.-10-36G>T on transcript NM_001953.5 (MANE Select); 36 bases into the intron before 10 bases upstream of the start codon, G replaced by T.
Molecular consequence: intron variant. On other transcripts: 5 prime UTR variant (1), splice acceptor variant (1).
Genome position (GRCh38, 1-based): chr22:50,529,755, C>A on the plus strand (G>T on the coding strand, the complement: TYMP is on the minus strand). VCF-style: chr22-50529755-C-A. GRCh37 (hg19) VCF-style: chr22-50968184-C-A.
Other names: c.-46G>T (NM_001113756.3); c.-10-36G>T (NM_001257989.1); c.-45-1G>T (NM_001257988.1); c.-22-24G>T (NM_001113755.3).
Identifiers: ClinVar variation 379866 (VCV000379866.1), dbSNP rs202144233, ClinGen allele CA10321918.

ClinVar aggregate classification (germline): Likely benign (1 of 4 stars; one submission).

Allele frequency attached by ClinVar (database versions not stated): ESP Exome Variant Server 0.00110; gnomAD 0.00147; TOPMed 0.00157; 1000 Genomes Project 30x 0.00234; 1000 Genomes Project 0.00240.
gnomAD v4.1: 407 of 1,560,224 alleles (0.026%); highest among the groups gnomAD compares: African/African-American, 0.46%; 3 homozygotes.

Submission:

GeneDx
Classification: Likely benign. Last evaluated: 2017-07-07. Review status: criteria provided, single submitter. Criteria: GeneDx Variant Classification (06012015). Collection method: clinical testing. Allele origin: germline. Affected: yes.
Comment: This variant is considered likely benign or benign based on one or more of the following criteria: it is a conservative change, it occurs at a poorly conserved position in the protein, it is predicted to be benign by multiple in silico algorithms, and/or has population frequency not consistent with disease.